The following is an entry in ClinVar:

NM_002591.4(PCK1):c.163C>T (p.Arg55Trp)

Gene: PCK1 (phosphoenolpyruvate carboxykinase 1; plus strand). Cytogenetic location: 20q13.31.
Variant type: single nucleotide variant.
Coding change: c.163C>T on transcript NM_002591.4 (MANE Select); coding-DNA position 163, C replaced by T.
Protein change: p.Arg55Trp; replaces arginine 55 with tryptophan.
Molecular consequence: missense variant.
Genome position (GRCh38, 1-based): chr20:57,561,574, C>T. VCF-style: chr20-57561574-C-T. GRCh37 (hg19) VCF-style: chr20-56136630-C-T.
Other names: short protein forms R55W.
Identifiers: ClinVar variation 1311389 (VCV001311389.3), dbSNP rs373529977, ClinGen allele CA9921907.

ClinVar aggregate classification (germline): Uncertain significance. Review status: criteria provided, multiple submitters, no conflicts (2 of 4 stars). 2 submissions from 2 submitters: Uncertain significance (2). Last evaluated 2025-05-03.

Conditions:
Inborn genetic diseases. Identifiers: MedGen C0950123, MeSH D030342.

Allele frequency attached by ClinVar (database versions not stated): gnomAD 0.00004; ExAC 0.00013; TOPMed 0.00007; ESP Exome Variant Server 0.00015; gnomAD exomes 0.00013.

Submissions (2):

Ambry Genetics
Classification: Uncertain significance for Inborn genetic diseases. Last evaluated: 2025-05-03. Review status: criteria provided, single submitter. Criteria: Ambry Variant Classification Scheme 2023. Collection method: clinical testing. Allele origin: germline.

GeneDx
Classification: Uncertain significance. Last evaluated: 2020-01-02. Review status: criteria provided, single submitter. Criteria: GeneDx Variant Classification Process June 2021. Collection method: clinical testing. Allele origin: germline. Affected: yes.
Comment: In silico analysis, which includes protein predictors and evolutionary conservation, supports that this variant does not alter protein structure/function; Has not been previously published as pathogenic or benign to our knowledge